The following is an entry in ClinVar:

ClinVar aggregate classification (germline): Likely pathogenic (3 of 4 stars; one submission).

Conditions:
Juvenile retinoschisis (RS1). Also called: X-linked retinoschisis; X-Linked Juvenile Retinoschisis. Identifiers: Orphanet 792, MedGen C3714753, MONDO:0010725, OMIM 312700.

Submission:

ClinGen X-linked Inherited Retinal Disease Variant Curation Expert Panel, ClinGen
Classification: Likely pathogenic for Juvenile retinoschisis. Last evaluated: 2025-09-19. Review status: reviewed by expert panel. Criteria: ClinGen X LinkedIRD ACMG Specifications RS1 V1.0.0. Collection method: curation. Allele origin: germline. Inheritance: X-linked inheritance.
Comment: NM_000330.4(RS1):c.667T>A (p.Cys223Ser) is a missense variant encoding the substitution of cysteine with serine at amino acid 223. Another missense variant encoding the same amino acid substitution, NM_000330.4(RS1):c.668G>C (p.Cys223Ser) has been classified as likely pathogenic for X-linked retinoschisis by the ClinGen X-linked IRD VCEP, however, the PS1 code was not used to avoid circularity. Another missense variant in the same codon, NM_000330.4(RS1):c.667T>C (p.Cys223Arg), (PMIDs: 34645606, 10533068, 30652005, 33460243, 16361673) has been classified as pathogenic. However, the present variant has a lower Grantham’s distance (112) than the comparison variant (180), so PM5 is not met. This variant is absent from hemizygous individuals in gnomAD v4.1.0 (PM2_Supporting). The computational predictor REVEL gives a score of 0.958, which is above the ClinGen X-linked IRD VCEP threshold of >0.932 and predicts a damaging effect on RS1 function (PP3_Strong). The computational splicing predictor SpliceAI gives a delta score of 0.00 for all predictive splice changes, which is below the ClinGen X-linked IRD VCEP threshold of >0.2 and does not predict that the variant disrupts RS1 splicing. HEK293 cells exogenously expressing the variant exhibit loss of RS1 secretion into the medium relative to the wild-type control, as well as aberrant immunofluorescent localization of RS1 to the ER/Golgi relative to the wild-type control (PMID: 12746437, PS3_Supporting). This variant is a missense substitution affecting a critical amino acid residue involved in disulfide bridge formation as defined by the ClinGen X-linked IRD VCEP (PMID: 26812435). However, the PP3_Strong code has been met, which is ineligible to be used in combination with the PM1 code at any strength, so the PM1 code was not met. In summary, this variant is classified as likely pathogenic for X-linked retinoschisis based on the ClinGen X-linked Inherited Retinal Disease Expert Panel Specifications to the ACMG/AMP Variant Interpretation Guidelines for RS1 Version 1.0.0: PM2_Supporting, PP3_Strong, and PS3_Supporting.

Literature cited by the submitters: PubMed 12746437.

NM_000330.4(RS1):c.667T>A (p.Cys223Ser)

Genes: CDKL5 (cyclin dependent kinase like 5; plus strand), RS1 (retinoschisin 1; minus strand). Cytogenetic location: Xp22.13.
Variant type: single nucleotide variant.
Coding change: c.667T>A on transcript NM_000330.4 (MANE Select); coding-DNA position 667, T replaced by A.
Protein change: p.Cys223Ser; replaces cysteine 223 with serine.
Molecular consequence: missense variant. On other transcripts: intron variant (2).
Genome position (GRCh38, 1-based): chrX:18,642,012, A>T on the plus strand (T>A on the coding strand, the complement: RS1 is on the minus strand). VCF-style: chrX-18642012-A-T. GRCh37 (hg19) VCF-style: chrX-18660132-A-T.
Other names: NM_003159.3:c.2714-3995A>T; c.2714-3995A>T (NM_003159.3, NM_001037343.2); short protein forms C223S.
Identifiers: ClinVar variation 4279586 (VCV004279586.1).
Genomic context (GRCh38, chrX:18,642,012, plus strand): 5'-CGGCCCGCTCTGTGCCAGTCACCCCCTGGCAGGCGCCGAGCTGAGGCAGGCATCAGGCAC[A>T]CTTGCTGACGCACTCCAGCAGCTCCATCCGGATGGCAATGCGGACGTGCCAGCCCAGCGG-3'
Protein context (NP_000321.1, residues 213-224): RMELLECVSK[Cys223Ser]A